The following is an entry in ClinVar:

ClinVar aggregate classification (germline): Pathogenic. Review status: criteria provided, single submitter (1 of 4 stars). 2 submissions from 2 submitters: Pathogenic (1). 1 of the submissions does not count toward it. Last evaluated 2025-05-16.

Conditions:
Atypical hemolytic-uremic syndrome. Identifiers: Orphanet 2134, MedGen C2931788, MONDO:0016244.

Allele frequency attached by ClinVar (database versions not stated): gnomAD exomes below 0.00001.
gnomAD v4.1: 2 of 1,612,704 alleles (0.00012%); highest among the groups gnomAD compares: Non-Finnish European, 0.00017%; no homozygotes.

Submissions (2):

Labcorp Genetics (formerly Invitae), Labcorp
Classification: Pathogenic. Last evaluated: 2025-05-16. Review status: criteria provided, single submitter. Criteria: Invitae Variant Classification Sherloc (09022015). Collection method: clinical testing. Allele origin: germline.
Comment: This sequence change creates a premature translational stop signal (p.Trp525*) in the CFH gene. It is expected to result in an absent or disrupted protein product. Loss-of-function variants in CFH are known to be pathogenic (PMID: 11170896, 14978182, 16621965, 23870792, 25188723). This variant is present in population databases (no rsID available, gnomAD 0.0009%). This variant has not been reported in the literature in individuals affected with CFH-related conditions. ClinVar contains an entry for this variant (Variation ID: 988145). Algorithms developed to predict the effect of sequence changes on RNA splicing suggest that this variant may disrupt the consensus splice site. For these reasons, this variant has been classified as Pathogenic.

Sydney Genome Diagnostics, Children's Hospital Westmead
Classification: Pathogenic for Atypical hemolytic-uremic syndrome. Last evaluated: 2018-05-29. Review status: no assertion criteria provided. Collection method: clinical testing. Allele origin: unknown. Affected: yes. Observed: 1 variant allele, 1 heterozygote. Not counted in ClinVar's aggregate classification.
Comment: This variant creates a premature stop codon (p.Trp525*), and may result in a null allele due to nonsense-mediated mRNA decay. To our knowledge, this variant has not been previously reported in the literature or any variant databases (i.e. ExAC, ESP or dbSNP). However, other truncating mutations downstream of this amino acid have been previously reported in patients with atypical haemolytic uremic syndrome (aHUS) in the FH aHUS Mutation Database. The p.Trp525* variant is considered to be pathogenic according to the ACMG guidelines.

Literature cited by the submitters: PubMed 11170896 (cited by Labcorp Genetics (formerly Invitae), Labcorp); PubMed 14978182 (cited by Labcorp Genetics (formerly Invitae), Labcorp); PubMed 16621965 (cited by Labcorp Genetics (formerly Invitae), Labcorp); PubMed 23870792 (cited by Labcorp Genetics (formerly Invitae), Labcorp); PubMed 25188723 (cited by Labcorp Genetics (formerly Invitae), Labcorp).

NM_000186.4(CFH):c.1574G>A (p.Trp525Ter)

Gene: CFH (complement factor H; plus strand). Cytogenetic location: 1q31.3.
Variant type: single nucleotide variant.
Coding change: c.1574G>A on transcript NM_000186.4 (MANE Select); coding-DNA position 1574, G replaced by A.
Protein change: p.Trp525Ter; replaces tryptophan 525 with a stop codon.
Molecular consequence: nonsense.
Genome position (GRCh38, 1-based): chr1:196,715,647, G>A. VCF-style: chr1-196715647-G-A. GRCh37 (hg19) VCF-style: chr1-196684777-G-A.
Other names: short protein forms W525*.
Identifiers: ClinVar variation 988145 (VCV000988145.2), dbSNP rs1328357943, ClinGen allele CA343982910.